The following is an entry in ClinVar:

Conditions:
Long QT syndrome 5 (LQT5). Identifiers: Orphanet 101016, Orphanet 768, MedGen C1867904, MONDO:0013372, OMIM 613695.

Submission:

Roden Lab, Vanderbilt University Medical Center
No classification provided (evidence only). Condition: Long QT syndrome 5. Review status: no classification provided. Collection method: in vitro. Allele origin: not applicable. Functional consequence: Effect on ion channel function.
ClinVar note: "not provided" was previously submitted as the classification for the variant. However, the classification appeared to be based only on an observation of functional data so it was converted to no classification on 2025-07-30.

NM_000219.6(KCNE1):c.190A>G (p.Ser64Gly)

Gene: KCNE1 (potassium voltage-gated channel subfamily E regulatory subunit 1; minus strand). Cytogenetic location: 21q22.12.
Variant type: single nucleotide variant.
Coding change: c.190A>G on transcript NM_000219.6 (MANE Select); coding-DNA position 190, A replaced by G.
Protein change: p.Ser64Gly; replaces serine 64 with glycine.
Molecular consequence: missense variant.
Genome position (GRCh38, 1-based): chr21:34,449,445, T>C on the plus strand (A>G on the coding strand, the complement: KCNE1 is on the minus strand). VCF-style: chr21-34449445-T-C. GRCh37 (hg19) VCF-style: chr21-35821743-T-C.
Other names: c.190A>G, p.Ser64Gly (NM_001127668.4, NM_001127669.4, NM_001127670.4 and 4 more transcripts); short protein forms S64G.
Identifiers: ClinVar variation 3374286 (VCV003374286.2).